The following is an entry in ClinVar:

ClinVar aggregate classification (germline): Likely benign. Review status: criteria provided, single submitter (1 of 4 stars). 2 submissions from 2 submitters: Likely benign (1). 1 of the submissions does not count toward it. Last evaluated 2022-05-20.

Conditions:
DOCK8-related disorder. Also called: DOCK8-related condition.
Combined immunodeficiency due to DOCK8 deficiency (HIES2). Also called: Hyper-IgE recurrent infection syndrome, autosomal recessive; HIES autosomal recessive; DOCK8 Deficiency; HYPER-IgE RECURRENT INFECTION SYNDROME 2, AUTOSOMAL RECESSIVE; HYPER-IgE SYNDROME 2, AUTOSOMAL RECESSIVE, WITH RECURRENT INFECTIONS. Identifiers: Orphanet 217390, MedGen C4722305, MONDO:0009478, OMIM 243700.

gnomAD v4.1: 3 of 1,614,230 alleles (0.00019%); highest among the groups gnomAD compares: South Asian, 0.0033%; no homozygotes.

Submissions (2):

Labcorp Genetics (formerly Invitae), Labcorp
Classification: Likely benign for Combined immunodeficiency due to DOCK8 deficiency. Last evaluated: 2022-05-20. Review status: criteria provided, single submitter. Criteria: Invitae Variant Classification Sherloc (09022015). Collection method: clinical testing. Allele origin: germline.

PreventionGenetics, part of Exact Sciences
Classification: Likely benign for DOCK8-related condition. Last evaluated: 2023-06-02. Review status: no assertion criteria provided. Collection method: clinical testing. Allele origin: germline. Not counted in ClinVar's aggregate classification.
Comment: This variant is classified as likely benign based on ACMG/AMP sequence variant interpretation guidelines (Richards et al. 2015 PMID: 25741868, with internal and published modifications).

NM_203447.4(DOCK8):c.4401T>C (p.Asn1467=)

Gene: DOCK8 (dedicator of cytokinesis 8; plus strand). Cytogenetic location: 9p24.3.
Variant type: single nucleotide variant.
Coding change: c.4401T>C on transcript NM_203447.4 (MANE Select); coding-DNA position 4401, T replaced by C.
Protein change: p.Asn1467=; no amino-acid change (asparagine 1467 retained).
Molecular consequence: synonymous variant.
Genome position (GRCh38, 1-based): chr9:428,424, T>C. VCF-style: chr9-428424-T-C. GRCh37 (hg19) VCF-style: chr9-428424-T-C.
Other names: c.4101T>C, p.Asn1367= (NM_001190458.2); c.4197T>C, p.Asn1399= (NM_001193536.2).
Identifiers: ClinVar variation 1996974 (VCV001996974.6), dbSNP rs1232988279, ClinGen allele CA463695720.